The following is an entry in ClinVar:

NM_020884.7(MYH7B):c.4208G>A (p.Arg1403Gln)

Gene: MYH7B (myosin heavy chain 7B; plus strand). Cytogenetic location: 20q11.22.
Variant type: single nucleotide variant.
Coding change: c.4208G>A on transcript NM_020884.7 (MANE Select); coding-DNA position 4208, G replaced by A.
Protein change: p.Arg1403Gln; replaces arginine 1403 with glutamine.
Molecular consequence: missense variant.
Genome position (GRCh38, 1-based): chr20:34,999,073, G>A. VCF-style: chr20-34999073-G-A. GRCh37 (hg19) VCF-style: chr20-33586876-G-A.
Other names: c.4334G>A (NM_020884.3, NM_020884.4); short protein forms R1403Q.
Identifiers: ClinVar variation 2196319 (VCV002196319.7), dbSNP rs373986285, ClinGen allele CA9828038.

ClinVar aggregate classification (germline): Uncertain significance. Review status: criteria provided, multiple submitters, no conflicts (2 of 4 stars). 3 submissions from 3 submitters: Uncertain significance (3). Last evaluated 2026-02-13.

Conditions:
MYH7B-related disorder. Also called: MYH7B-related condition.

Allele frequency attached by ClinVar (database versions not stated): TOPMed 0.00007; ESP Exome Variant Server 0.00008; gnomAD 0.00009; ExAC 0.00020.
gnomAD v4.1: 214 of 1,610,830 alleles (0.013%); highest among the groups gnomAD compares: South Asian, 0.11%; 2 homozygotes.

Submissions (3):

PreventionGenetics, part of Exact Sciences
Classification: Uncertain significance for MYH7B-related condition. Last evaluated: 2026-02-13. Review status: criteria provided, single submitter. Criteria: ACMG Guidelines, 2015. Collection method: clinical testing. Allele origin: germline.
Comment: The MYH7B c.4334G>A variant is predicted to result in the amino acid substitution p.Arg1445Gln. To our knowledge, this variant has not been reported in the literature. This variant is reported in 0.076% of alleles in individuals of South Asian descent in gnomAD. Although we suspect that this variant may be benign, at this time, the clinical significance of this variant is uncertain due to the absence of conclusive functional and genetic evidence.

Labcorp Genetics (formerly Invitae), Labcorp
Classification: Uncertain significance. Last evaluated: 2026-01-28. Review status: criteria provided, single submitter. Criteria: Invitae Variant Classification Sherloc (09022015). Collection method: clinical testing. Allele origin: germline.
Comment: This sequence change replaces arginine, which is basic and polar, with glutamine, which is neutral and polar, at codon 1445 of the MYH7B protein (p.Arg1445Gln). This variant is present in population databases (rs373986285, gnomAD 0.07%), and has an allele count higher than expected for a pathogenic variant. This variant has not been reported in the literature in individuals affected with MYH7B-related conditions. ClinVar contains an entry for this variant (Variation ID: 2196319). Invitae Evidence Modeling of protein sequence and biophysical properties (such as structural, functional, and spatial information, amino acid conservation, physicochemical variation, residue mobility, and thermodynamic stability) indicates that this missense variant is not expected to disrupt MYH7B protein function with a negative predictive value of 80%. In summary, the available evidence is currently insufficient to determine the role of this variant in disease. Therefore, it has been classified as a Variant of Uncertain Significance.

Ambry Genetics
Classification: Uncertain significance. Last evaluated: 2025-08-01. Review status: criteria provided, single submitter. Criteria: Ambry Variant Classification Scheme 2023. Collection method: clinical testing. Allele origin: germline.